The following is an entry in ClinVar:

NM_144997.7(FLCN):c.1300+8_1300+12delinsACCCT

Gene: FLCN (folliculin; minus strand). Cytogenetic location: 17p11.2.
Variant type: Indel.
Coding change: c.1300+8_1300+12delinsACCCT on transcript NM_144997.7 (MANE Select); bases 8 to 12 of the intron after coding-DNA position 1300, CCCCC replaced by ACCCT.
Molecular consequence: intron variant.
Genome position (GRCh38, 1-based): chr17:17,216,368-17,216,372, GGGGG replaced by AGGGT on the plus strand (CCCCC replaced by ACCCT on the coding strand, the reverse complement: FLCN is on the minus strand). VCF-style: chr17-17216368-GGGGG-AGGGT. GRCh37 (hg19) VCF-style: chr17-17119682-GGGGG-AGGGT.
Other names: c.1300+8_1300+12delinsACCCT (NM_001353231.2, NM_001353230.2); c.1354+8_1354+12delinsACCCT (NM_001353229.2).
Identifiers: ClinVar variation 3773407 (VCV003773407.1).

ClinVar aggregate classification (germline): Likely benign (1 of 4 stars; one submission).

Conditions:
Birt-Hogg-Dube syndrome 1 (BHD1). Also called: FIBROFOLLICULOMAS WITH TRICHODISCOMAS AND ACROCHORDONS. Identifiers: Orphanet 122, MedGen CN375946, MONDO:0800445, OMIM 135150.

Submission:

Myriad Genetics, Inc.
Classification: Likely benign for Birt-Hogg-Dube syndrome 1. Last evaluated: 2024-10-24. Review status: criteria provided, single submitter. Criteria: Myriad Autosomal Dominant, Autosomal Recessive and X-Linked Classification Criteria (2023). Collection method: clinical testing. Allele origin: unknown.
Comment: This variant is considered likely benign. This variant is intronic and is not expected to impact mRNA splicing.